The following is an entry in ClinVar:

ClinVar aggregate classification (germline): Conflicting classifications of pathogenicity. Review status: criteria provided, conflicting classifications (1 of 4 stars). 5 submissions from 4 submitters: Likely pathogenic (1); Uncertain significance (1). 3 of the submissions do not count toward it. Last evaluated 2026-02-11.

Conditions:
Hemoglobin H disease, nondeletional. Identifiers: MedGen C3279561.
alpha Thalassemia. Also called: Alpha thalassemia spectrum. Identifiers: Orphanet 846, MedGen C0002312, MONDO:0011399, OMIM 604131.
HEMOGLOBIN AGHIA SOPHIA.

Submissions (5):

Women's Health and Genetics/Laboratory Corporation of America, LabCorp
Classification: Uncertain significance. Last evaluated: 2026-02-11. Review status: criteria provided, single submitter. Criteria: LabCorp Variant Classification Summary - May 2015. Collection method: clinical testing. Allele origin: germline.
Comment: Variant summary: HBA1 c.188_190delTGG (p.Val63del) results in an in-frame deletion that is predicted to remove one amino acid from the encoded protein. The frequency data for this variant in gnomAD is considered unreliable, as metrics indicate poor data quality at this position. c.188_190delTGG has been observed in individuals affected with features of Alpha Thalassemia who had the --MED deletion in trans (Traeger-Synodinos_1999). These data indicate that the variant may be associated with disease. To our knowledge, no experimental evidence demonstrating an impact on protein function has been reported. The following publication has been ascertained in the context of this evaluation (PMID: 10569720). ClinVar contains an entry for this variant (Variation ID: 15875). Based on the evidence outlined above, the variant was classified as VUS-possibly pathogenic.

Natera, Inc.
Classification: Likely pathogenic for Alpha thalassemia. Last evaluated: 2025-08-15. Review status: criteria provided, single submitter. Criteria: Natera Variant Classification Schema (03/2026). Collection method: clinical testing. Allele origin: germline.
Comment: The c.188_190delTGG variant in HBA1 is an in-frame deletion predicted to remove valine at amino acid 63 while preserving the reading frame. This variant is rare in the general population with a frequency below the threshold expected for the associated phenotype(s). This variant has been observed in one or more individuals affected with the associated recessive disease, as either homozygous or compound heterozygous with a second variant (PMID: 10569720). This variant has been identified in one or more affected individuals with a phenotype highly consistent with the associated gene (PMID: 10569720). This variant results in a change to the protein length while preserving reading frame, which may disrupt normal protein structure or function. Given the available evidence, this variant is classified as Likely Pathogenic.

The ITHANET community portal, The Cyprus Institute of Neurology and Genetics
Classification: Pathogenic for alpha Thalassemia. Last evaluated: 2019-11-25. Review status: no assertion criteria provided. Collection method: curation. Allele origin: germline. Not counted in ClinVar's aggregate classification.

OMIM
Classification: other for HEMOGLOBIN AGHIA SOPHIA. Last evaluated: 2016-07-20. Review status: no assertion criteria provided. Collection method: literature only. Allele origin: germline. Not counted in ClinVar's aggregate classification.

OMIM
Classification: Pathogenic for HEMOGLOBIN H DISEASE, NONDELETIONAL. Last evaluated: 1999-11-01. Review status: no assertion criteria provided. Collection method: literature only. Allele origin: germline. Not counted in ClinVar's aggregate classification.

Literature cited by the submitters: PubMed 10569720 (cited by 4 submitters).

NM_000558.5(HBA1):c.188_190del (p.Val63del)

Genes: HBA1 (hemoglobin subunit alpha 1; plus strand), LOC106804613 (hemoglobin subunit alpha 1 recombination region; plus strand). Cytogenetic location: 16p13.3.
Variant type: Deletion.
Coding change: c.188_190del on transcript NM_000558.5 (MANE Select); coding-DNA positions 188 to 190, 3 bases deleted (TGG; older notation c.188_190delTGG).
Protein change: p.Val63del; deletes valine 63.
Molecular consequence: inframe deletion.
Genome position (GRCh38, 1-based): chr16:177,021-177,023, TGG deleted; deleting any 3 consecutive bases within chr16:177,019-177,023 gives the same sequence; the c. name uses the placement nearest the transcript's 3' end. VCF-style (leftmost placement, unchanged base first): chr16-177018-AGGT-A. GRCh37 (hg19) VCF-style: chr16-227017-AGGT-A.
Other names: V62del; CD 62 -GTG [-Val]; c.188_190delTGG (NM_000558.5, NM_000558.4); short protein forms V63del.
Identifiers: ClinVar variation 15875 (VCV000015875.5), dbSNP rs35672478, ClinGen allele CA125997.
Genomic context (GRCh38, chr16:177,018, plus strand): 5'-CCTACTTCCCGCACTTCGACCTGAGCCACGGCTCTGCCCAGGTTAAGGGCCACGGCAAGA[AGGT>A]GGCCGACGCGCTGACCAACGCCGTGGCGCACGTGGACGACATGCCCAACGCGCTGTCCGC-3'